The following is an entry in ClinVar:

ClinVar aggregate classification (germline): Benign/Likely benign. Review status: criteria provided, multiple submitters, no conflicts (2 of 4 stars). 7 submissions from 7 submitters: Benign (3); Likely benign (3). 1 of the submissions does not count toward it. Last evaluated 2026-01-28.

Conditions:
CHD8-related disorder. Also called: CHD8-related disorders; CHD8-related condition.
Inborn genetic diseases. Identifiers: MedGen C0950123, MeSH D030342.
Intellectual developmental disorder with autism and macrocephaly. Also called: CHD8-Related Neurodevelopmental Disorder with Overgrowth; Autism, susceptibility to, 18. Identifiers: Orphanet 642675, MedGen C3554373, MONDO:0014017, OMIM 615032.

Allele frequency attached by ClinVar (database versions not stated): gnomAD exomes 0.00035 and 0.00093; ExAC 0.00115; gnomAD 0.00353 and 0.00383; ESP Exome Variant Server 0.00368; TOPMed 0.00408; 1000 Genomes Project 0.00419; 1000 Genomes Project 30x 0.00484.
gnomAD v4.1: 1,051 of 1,612,656 alleles (0.065%); highest among the groups gnomAD compares: African/African-American, 1.3%; 11 homozygotes.

Submissions (7):

Labcorp Genetics (formerly Invitae), Labcorp
Classification: Benign. Last evaluated: 2026-01-28. Review status: criteria provided, single submitter. Criteria: Invitae Variant Classification Sherloc (09022015). Collection method: clinical testing. Allele origin: germline.

CeGaT Center for Human Genetics Tuebingen
Classification: Likely benign. Last evaluated: 2026-01-01. Review status: criteria provided, single submitter. Criteria: CeGaT Center For Human Genetics Tuebingen Variant Classification Criteria Version 2. Collection method: clinical testing. Allele origin: germline. Affected: yes. Observed: 1 variant allele.
Comment: CHD8: BP4, BP7, BS1

Blueprint Genetics
Classification: Likely benign. Last evaluated: 2024-08-21. Review status: criteria provided, single submitter. Criteria: ACMG Guidelines, 2015. Collection method: clinical testing. Allele origin: germline.

Fulgent Genetics
Classification: Likely benign for Intellectual developmental disorder with autism and macrocephaly. Last evaluated: 2022-05-11. Review status: criteria provided, single submitter. Criteria: ACMG Guidelines, 2015. Collection method: clinical testing. Allele origin: unknown.

GeneDx
Classification: Benign. Last evaluated: 2019-06-27. Review status: criteria provided, single submitter. Criteria: GeneDx Variant Classification Process June 2021. Collection method: clinical testing. Allele origin: germline. Affected: yes.

Ambry Genetics
Classification: Benign for Inborn genetic diseases. Last evaluated: 2016-06-08. Review status: criteria provided, single submitter. Criteria: Ambry Variant Classification Scheme 2023. Collection method: clinical testing. Allele origin: germline.

PreventionGenetics, part of Exact Sciences
Classification: Benign for CHD8-related condition. Last evaluated: 2022-09-09. Review status: no assertion criteria provided. Collection method: clinical testing. Allele origin: germline. Not counted in ClinVar's aggregate classification.
Comment: This variant is classified as benign based on ACMG/AMP sequence variant interpretation guidelines (Richards et al. 2015 PMID: 25741868, with internal and published modifications).

NM_001170629.2(CHD8):c.4809G>A (p.Ala1603=)

Gene: CHD8 (chromodomain helicase DNA binding protein 8; minus strand). Cytogenetic location: 14q11.2.
Variant type: single nucleotide variant.
Coding change: c.4809G>A on transcript NM_001170629.2 (MANE Select); coding-DNA position 4809, G replaced by A.
Protein change: p.Ala1603=; no amino-acid change (alanine 1603 retained).
Molecular consequence: synonymous variant.
Genome position (GRCh38, 1-based): chr14:21,399,989, C>T on the plus strand (G>A on the coding strand, the complement: CHD8 is on the minus strand). VCF-style: chr14-21399989-C-T. GRCh37 (hg19) VCF-style: chr14-21868148-C-T.
Other names: c.3972G>A, p.Ala1324= (NM_020920.4).
Identifiers: ClinVar variation 588837 (VCV000588837.26), dbSNP rs61736703, ClinGen allele CA7091145.